The following is an entry in ClinVar:

ClinVar aggregate classification (germline): Uncertain significance (1 of 4 stars; one submission).

Submission:

Ambry Genetics
Classification: Uncertain significance. Last evaluated: 2021-08-21. Review status: criteria provided, single submitter. Criteria: Ambry Variant Classification Scheme 2023. Collection method: clinical testing. Allele origin: germline.
Comment: The p.Y2449C variant (also known as c.7346A>G), located in coding exon 27 of the POLQ gene, results from an A to G substitution at nucleotide position 7346. The tyrosine at codon 2449 is replaced by cysteine, an amino acid with highly dissimilar properties. This amino acid position is conserved. In addition, this alteration is predicted to be deleterious by in silico analysis. Since supporting evidence is limited at this time, the clinical significance of this alteration remains unclear.

NM_199420.4(POLQ):c.7346A>G (p.Tyr2449Cys)

Gene: POLQ (DNA polymerase theta; minus strand). Cytogenetic location: 3q13.33.
Variant type: single nucleotide variant.
Coding change: c.7346A>G on transcript NM_199420.4 (MANE Select); coding-DNA position 7346, A replaced by G.
Protein change: p.Tyr2449Cys; replaces tyrosine 2449 with cysteine.
Molecular consequence: missense variant.
Genome position (GRCh38, 1-based): chr3:121,440,035, T>C on the plus strand (A>G on the coding strand, the complement: POLQ is on the minus strand). VCF-style: chr3-121440035-T-C. GRCh37 (hg19) VCF-style: chr3-121158882-T-C.
Other names: short protein forms Y2449C.
Identifiers: ClinVar variation 1758426 (VCV001758426.2), dbSNP rs2546749869, ClinGen allele CA354098139.